The following is an entry in ClinVar:

NM_000090.4(COL3A1):c.911C>T (p.Ala304Val)

Gene: COL3A1 (collagen type III alpha 1 chain; plus strand). Cytogenetic location: 2q32.2.
Variant type: single nucleotide variant.
Coding change: c.911C>T on transcript NM_000090.4 (MANE Select); coding-DNA position 911, C replaced by T.
Protein change: p.Ala304Val; replaces alanine 304 with valine.
Molecular consequence: missense variant.
Genome position (GRCh38, 1-based): chr2:188,991,682, C>T. VCF-style: chr2-188991682-C-T. GRCh37 (hg19) VCF-style: chr2-189856408-C-T.
Other names: short protein forms A304V.
Identifiers: ClinVar variation 923848 (VCV000923848.5), dbSNP rs730880061, ClinGen allele CA349849992.
Genomic context (GRCh38, chr2:188,991,682, plus strand): 5'-CACATGTCAAGATTAGAGTAAAACCATATTTCAATTTTACTCTGTAGGGTCCAAGAGGGG[C>T]TCCTGGTGAGCGAGGACGGCCAGGACTTCCTGGGGCTGCAGTGAGTATAGCTGCTAACAT-3'
Protein context (NP_000081.2, residues 294-314): GAPGPMGPRG[Ala304Val]PGERGRPGLP

ClinVar aggregate classification (germline): Uncertain significance (1 of 4 stars; one submission).

Conditions:
Familial thoracic aortic aneurysm and aortic dissection (TAAD). Also called: Thoracic aortic aneurysms and dissections. Identifiers: Orphanet 91387, MedGen C4707243, MONDO:0019625.

Submission:

Color Diagnostics, LLC DBA Color Health
Classification: Uncertain significance for Familial thoracic aortic aneurysm and aortic dissection. Last evaluated: 2023-12-04. Review status: criteria provided, single submitter. Criteria: ACMG Guidelines, 2015. Collection method: clinical testing. Allele origin: germline.
Comment: Variant of Uncertain Significance due to insufficient evidence: This missense variant is located in the triple-helical region of the COL3A1 protein. Computational prediction tools and conservation analyses are inconclusive regarding the impact of this variant on the protein function. Computational splicing tools suggest that this variant may not impact RNA splicing. To our knowledge, functional assays have not been performed for this variant nor has this variant been reported in individuals affected with cardiovascular disorders in the literature. This variant is rare in the general population and has been identified in 0/277264 chromosomes by the Genome Aggregation Database (gnomAD). Available evidence is insufficient to determine the pathogenicity of this variant conclusively.